The following is an entry in ClinVar:

NM_001379081.2(FREM1):c.4711G>A (p.Asp1571Asn)

Gene: FREM1 (FRAS1 related extracellular matrix 1; minus strand). Cytogenetic location: 9p22.3.
Variant type: single nucleotide variant.
Coding change: c.4711G>A on transcript NM_001379081.2 (MANE Select); coding-DNA position 4711, G replaced by A.
Protein change: p.Asp1571Asn; replaces aspartic acid 1571 with asparagine.
Molecular consequence: missense variant. On other transcripts: non-coding transcript variant (2).
Genome position (GRCh38, 1-based): chr9:14,775,935, C>T on the plus strand (G>A on the coding strand, the complement: FREM1 is on the minus strand). VCF-style: chr9-14775935-C-T. GRCh37 (hg19) VCF-style: chr9-14775933-C-T.
Other names: c.319G>A, p.Asp107Asn (NM_001177704.3, NM_001370058.2, NM_001370061.2); c.4711G>A, p.Asp1571Asn (NM_144966.7); short protein forms D1571N, D107N.
Identifiers: ClinVar variation 366119 (VCV000366119.24), dbSNP rs115421185, ClinGen allele CA4990091.

ClinVar aggregate classification (germline): Benign/Likely benign. Review status: criteria provided, multiple submitters, no conflicts (2 of 4 stars). 5 submissions from 5 submitters: Benign (2); Likely benign (3). Last evaluated 2025-12-15.

Conditions:
Oculotrichoanal syndrome (MOTA). Also called: MARLES SYNDROME; Manitoba Oculotrichoanal (MOTA) Syndrome. Identifiers: Orphanet 2717, MedGen C1855425, MONDO:0009560, OMIM 248450.

Allele frequency attached by ClinVar (database versions not stated): gnomAD exomes 0.00023 and 0.00051; ExAC 0.00060; gnomAD 0.00224 and 0.00244; ESP Exome Variant Server 0.00225; TOPMed 0.00251; 1000 Genomes Project 30x 0.00281; 1000 Genomes Project 0.00300.
gnomAD v4.1: 700 of 1,613,958 alleles (0.043%); highest among the groups gnomAD compares: African/African-American, 0.82%; 4 homozygotes.

Submissions (5):

Labcorp Genetics (formerly Invitae), Labcorp
Classification: Likely benign. Last evaluated: 2025-12-15. Review status: criteria provided, single submitter. Criteria: Invitae Variant Classification Sherloc (09022015). Collection method: clinical testing. Allele origin: germline.

CeGaT Center for Human Genetics Tuebingen
Classification: Benign. Last evaluated: 2025-11-01. Review status: criteria provided, single submitter. Criteria: CeGaT Center For Human Genetics Tuebingen Variant Classification Criteria Version 2. Collection method: clinical testing. Allele origin: germline. Affected: yes. Observed: 1 variant allele.
Comment: FREM1: BP4, BS1, BS2

Illumina Laboratory Services, Illumina
Classification: Likely benign for Oculotrichoanal syndrome. Last evaluated: 2018-01-13. Review status: criteria provided, single submitter. Criteria: ICSL Variant Classification Criteria 13 December 2019. Collection method: clinical testing. Allele origin: germline.
Comment: This variant was observed in the ICSL laboratory as part of a predisposition screen in an ostensibly healthy population. It had not been previously curated by ICSL or reported in the Human Gene Mutation Database (HGMD: prior to June 1st, 2018), and was therefore a candidate for classification through an automated scoring system. Utilizing variant allele frequency, disease prevalence and penetrance estimates, and inheritance mode, an automated score was calculated to assess if this variant is too frequent to cause the disease. Based on the score and internal cut-off values, a variant classified as likely benign is not then subjected to further curation. The score for this variant resulted in a classification of likely benign for this disease.

Eurofins Ntd Llc (ga)
Classification: Benign. Last evaluated: 2016-11-01. Review status: criteria provided, single submitter. Criteria: EGL Classification Definitions 2015. Collection method: clinical testing. Allele origin: germline. Observed: 1 variant allele, 1 heterozygote.

Breakthrough Genomics
Classification: Likely benign. Review status: criteria provided, single submitter. Criteria: ACMG Guidelines, 2015. Collection method: not provided. Allele origin: germline. Inheritance: Autosomal recessive inheritance. Affected: yes.